The following is an entry in ClinVar:

ClinVar aggregate classification (germline): Uncertain significance. Review status: criteria provided, multiple submitters, no conflicts (2 of 4 stars). 2 submissions from 2 submitters: Uncertain significance (2). Last evaluated 2023-11-22.

Conditions:
Hereditary cancer-predisposing syndrome. Also called: Neoplastic Syndromes, Hereditary; Tumor predisposition; Hereditary Cancer Syndrome; Hereditary neoplastic syndrome. Identifiers: Orphanet 140162, MedGen C0027672, MeSH D009386, MONDO:0015356.

Allele frequency attached by ClinVar (database versions not stated): gnomAD exomes below 0.00001.
gnomAD v4.1: 1 of 1,613,460 alleles (0.000062%); highest among the groups gnomAD compares: Non-Finnish European, 0.000085%; no homozygotes.

Submissions (2):

Ambry Genetics
Classification: Uncertain significance for Hereditary cancer-predisposing syndrome. Last evaluated: 2023-11-22. Review status: criteria provided, single submitter. Criteria: Ambry Variant Classification Scheme 2023. Collection method: clinical testing. Allele origin: germline.
Comment: The p.K223E variant (also known as c.667A>G), located in coding exon 5 of the FH gene, results from an A to G substitution at nucleotide position 667. The lysine at codon 223 is replaced by glutamic acid, an amino acid with similar properties. This amino acid position is not well conserved in available vertebrate species. In addition, the in silico prediction for this alteration is inconclusive. Since supporting evidence is limited at this time, the clinical significance of this alteration remains unclear.

Labcorp Genetics (formerly Invitae), Labcorp
Classification: Uncertain significance. Last evaluated: 2022-03-22. Review status: criteria provided, single submitter. Criteria: Invitae Variant Classification Sherloc (09022015). Collection method: clinical testing. Allele origin: germline.
Comment: This sequence change replaces lysine, which is basic and polar, with glutamic acid, which is acidic and polar, at codon 223 of the FH protein (p.Lys223Glu). This variant is not present in population databases (gnomAD no frequency). This variant has not been reported in the literature in individuals affected with FH-related conditions. Advanced modeling of protein sequence and biophysical properties (such as structural, functional, and spatial information, amino acid conservation, physicochemical variation, residue mobility, and thermodynamic stability) performed at Invitae indicates that this missense variant is not expected to disrupt FH protein function. In summary, the available evidence is currently insufficient to determine the role of this variant in disease. Therefore, it has been classified as a Variant of Uncertain Significance.

NM_000143.4(FH):c.667A>G (p.Lys223Glu)

Gene: FH (fumarate hydratase; minus strand). Cytogenetic location: 1q43.
Variant type: single nucleotide variant.
Coding change: c.667A>G on transcript NM_000143.4 (MANE Select); coding-DNA position 667, A replaced by G.
Protein change: p.Lys223Glu; replaces lysine 223 with glutamic acid.
Molecular consequence: missense variant.
Genome position (GRCh38, 1-based): chr1:241,508,674, T>C on the plus strand (A>G on the coding strand, the complement: FH is on the minus strand). VCF-style: chr1-241508674-T-C. GRCh37 (hg19) VCF-style: chr1-241671974-T-C.
Other names: short protein forms K223E.
Identifiers: ClinVar variation 1754835 (VCV001754835.4), dbSNP rs2147919525, ClinGen allele CA345439283.